The following is an entry in ClinVar:

NM_006506.5(RASA2):c.1655G>A (p.Gly552Glu)

Gene: RASA2 (RAS p21 protein activator 2; plus strand). Cytogenetic location: 3q23.
Variant type: single nucleotide variant.
Coding change: c.1655G>A on transcript NM_006506.5 (MANE Select); coding-DNA position 1655, G replaced by A.
Protein change: p.Gly552Glu; replaces glycine 552 with glutamic acid.
Molecular consequence: missense variant.
Genome position (GRCh38, 1-based): chr3:141,580,432, G>A. VCF-style: chr3-141580432-G-A. GRCh37 (hg19) VCF-style: chr3-141299274-G-A.
Other names: c.1655G>A, p.Gly552Glu (NM_001303245.3, NM_001303246.3); short protein forms G552E.
Identifiers: ClinVar variation 5027885 (VCV005027885.1).

ClinVar aggregate classification (germline): Uncertain significance (1 of 4 stars; one submission).

Submission:

Ambry Genetics
Classification: Uncertain significance. Last evaluated: 2026-07-11. Review status: criteria provided, single submitter. Criteria: Ambry Variant Classification Scheme 2023. Collection method: clinical testing. Allele origin: germline.
Comment: The p.G552E variant (also known as c.1655G>A), located in coding exon 16 of the RASA2 gene, results from a G to A substitution at nucleotide position 1655. The glycine at codon 552 is replaced by glutamic acid, an amino acid with similar properties. This amino acid position is conserved. In addition, the in silico prediction for this alteration is inconclusive. Based on the available evidence, the clinical significance of this variant remains unclear.